The following is an entry in ClinVar:

NM_017514.5(PLXNA3):c.2044-4G>A

Gene: PLXNA3 (plexin A3; plus strand). Cytogenetic location: Xq28.
Variant type: single nucleotide variant.
Coding change: c.2044-4G>A on transcript NM_017514.5 (MANE Select); 4 bases into the intron before coding-DNA position 2044, G replaced by A.
Molecular consequence: intron variant.
Genome position (GRCh38, 1-based): chrX:154,465,014, G>A. VCF-style: chrX-154465014-G-A. GRCh37 (hg19) VCF-style: chrX-153693357-G-A.
Identifiers: ClinVar variation 723875 (VCV000723875.5), dbSNP rs201608832, ClinGen allele CA10564268.

ClinVar aggregate classification (germline): Benign. Review status: criteria provided, single submitter (1 of 4 stars). 2 submissions from 2 submitters: Benign (1). 1 of the submissions does not count toward it. Last evaluated 2018-04-30.

Conditions:
PLXNA3-related disorder. Also called: PLXNA3-related condition.

Allele frequency attached by ClinVar (database versions not stated): 1000 Genomes Project 30x 0.00187; ExAC 0.00188; gnomAD 0.00201 and 0.00187; TOPMed 0.00207; gnomAD exomes 0.00033 and 0.00066; 1000 Genomes Project 0.00159; ESP Exome Variant Server 0.00266.
gnomAD v4.1: 575 of 1,189,151 alleles (0.048%); highest among the groups gnomAD compares: African/African-American, 0.65%; 2 homozygotes.

Submissions (2):

Labcorp Genetics (formerly Invitae), Labcorp
Classification: Benign. Last evaluated: 2018-04-30. Review status: criteria provided, single submitter. Criteria: Invitae Variant Classification Sherloc (09022015). Collection method: clinical testing. Allele origin: germline.

PreventionGenetics, part of Exact Sciences
Classification: Benign for PLXNA3-related condition. Last evaluated: 2021-05-19. Review status: no assertion criteria provided. Collection method: clinical testing. Allele origin: germline. Not counted in ClinVar's aggregate classification.
Comment: This variant is classified as benign based on ACMG/AMP sequence variant interpretation guidelines (Richards et al. 2015 PMID: 25741868, with internal and published modifications).